The following is an entry in ClinVar:

NM_000368.5(TSC1):c.-11C>T

Gene: TSC1 (TSC complex subunit 1; minus strand). Cytogenetic location: 9q34.13.
Variant type: single nucleotide variant.
Coding change: c.-11C>T on transcript NM_000368.5 (MANE Select); 11 bases upstream of the start codon, C replaced by T.
Molecular consequence: 5 prime UTR variant.
Genome position (GRCh38, 1-based): chr9:132,928,883, G>A on the plus strand (C>T on the coding strand, the complement: TSC1 is on the minus strand). VCF-style: chr9-132928883-G-A. GRCh37 (hg19) VCF-style: chr9-135804270-G-A.
Other names: c.-11C>T (NM_001162426.2, NM_001162427.2); c.-270C>T (NM_001362177.2).
Identifiers: ClinVar variation 383101 (VCV000383101.4), dbSNP rs570705364, ClinGen allele CA027255.

ClinVar aggregate classification (germline): Likely benign. Review status: criteria provided, multiple submitters, no conflicts (2 of 4 stars). 4 submissions from 4 submitters: Likely benign (4). Last evaluated 2024-11-19.

Conditions:
Tuberous sclerosis syndrome (TSC). Also called: Tuberous sclerosis; Tuberous Sclerosis Complex. Identifiers: Orphanet 805, MedGen C0041341, MONDO:0001734.

Allele frequency attached by ClinVar (database versions not stated): TOPMed 0.00001; gnomAD 0.00003 and 0.00004; 1000 Genomes Project 0.00020; 1000 Genomes Project 30x 0.00031.
gnomAD v4.1: 14 of 1,613,966 alleles (0.00087%); highest among the groups gnomAD compares: African/African-American, 0.0067%; no homozygotes.

Submissions (4):

Blueprint Genetics
Classification: Likely benign. Last evaluated: 2024-11-19. Review status: criteria provided, single submitter. Criteria: ACMG Guidelines, 2015. Collection method: clinical testing. Allele origin: germline.

All of Us Research Program, National Institutes of Health
Classification: Likely benign for Tuberous sclerosis syndrome. Last evaluated: 2023-10-27. Review status: criteria provided, single submitter. Criteria: ACMG Guidelines, 2015. Collection method: clinical testing. Allele origin: germline. Inheritance: Autosomal dominant inheritance. Observed: 5 variant alleles, 5 heterozygotes.
Comment: This study involves interpretation of variants in research participants for the purpose of population health screening. Participant phenotype was not available at the time of variant classification. Additional details can be found in publication PMID: 35346344, PMCID: PMC8962531

Color Diagnostics, LLC DBA Color Health
Classification: Likely benign for Tuberous sclerosis syndrome. Last evaluated: 2022-05-13. Review status: criteria provided, single submitter. Criteria: ACMG Guidelines, 2015. Collection method: clinical testing. Allele origin: germline.

GeneDx
Classification: Likely benign. Last evaluated: 2016-01-26. Review status: criteria provided, single submitter. Criteria: GeneDx Variant Classification (06012015). Collection method: clinical testing. Allele origin: germline. Affected: yes.
Comment: This variant is considered likely benign or benign based on one or more of the following criteria: it is a conservative change, it occurs at a poorly conserved position in the protein, it is predicted to be benign by multiple in silico algorithms, and/or has population frequency not consistent with disease.